The following is an entry in ClinVar:

ClinVar aggregate classification (germline): Uncertain significance (1 of 4 stars; one submission).

Conditions:
Immunodeficiency 67. Also called: Immunodeficiency due to interleukin-1 receptor-associated kinase-4 deficiency. Identifiers: Orphanet 70592, MedGen C1843256, MONDO:0011888, OMIM 607676.

Submission:

Labcorp Genetics (formerly Invitae), Labcorp
Classification: Uncertain significance for Immunodeficiency 67. Last evaluated: 2024-08-28. Review status: criteria provided, single submitter. Criteria: Invitae Variant Classification Sherloc (09022015). Collection method: clinical testing. Allele origin: germline.
Comment: This sequence change replaces isoleucine, which is neutral and non-polar, with valine, which is neutral and non-polar, at codon 381 of the IRAK4 protein (p.Ile381Val). This variant is not present in population databases (gnomAD no frequency). This variant has not been reported in the literature in individuals affected with IRAK4-related conditions. Invitae Evidence Modeling of protein sequence and biophysical properties (such as structural, functional, and spatial information, amino acid conservation, physicochemical variation, residue mobility, and thermodynamic stability) indicates that this missense variant is not expected to disrupt IRAK4 protein function with a negative predictive value of 80%. In summary, the available evidence is currently insufficient to determine the role of this variant in disease. Therefore, it has been classified as a Variant of Uncertain Significance.

NM_016123.4(IRAK4):c.1141A>G (p.Ile381Val)

Gene: IRAK4 (interleukin 1 receptor associated kinase 4; plus strand). Cytogenetic location: 12q12.
Variant type: single nucleotide variant.
Coding change: c.1141A>G on transcript NM_016123.4 (MANE Select); coding-DNA position 1141, A replaced by G.
Protein change: p.Ile381Val; replaces isoleucine 381 with valine.
Molecular consequence: missense variant.
Genome position (GRCh38, 1-based): chr12:43,783,677, A>G. VCF-style: chr12-43783677-A-G. GRCh37 (hg19) VCF-style: chr12-44177480-A-G.
Other names: c.1141A>G, p.Ile381Val (NM_001114182.3, NM_001351345.2); c.769A>G, p.Ile257Val (NM_001145256.2, NM_001145257.2, NM_001145258.2 and 5 more transcripts); c.532A>G, p.Ile178Val (NM_001351343.2, NM_001351344.2); short protein forms I381V, I257V, I178V.
Identifiers: ClinVar variation 3663771 (VCV003663771.2).